The following is an entry in ClinVar:

NM_145038.5(DRC1):c.1186G>A (p.Glu396Lys)

Gene: DRC1 (dynein regulatory complex subunit 1; plus strand). Cytogenetic location: 2p23.3.
Variant type: single nucleotide variant.
Coding change: c.1186G>A on transcript NM_145038.5 (MANE Select); coding-DNA position 1186, G replaced by A.
Protein change: p.Glu396Lys; replaces glutamic acid 396 with lysine.
Molecular consequence: missense variant.
Genome position (GRCh38, 1-based): chr2:26,444,738, G>A. VCF-style: chr2-26444738-G-A. GRCh37 (hg19) VCF-style: chr2-26667606-G-A.
Other names: short protein forms E396K.
Identifiers: ClinVar variation 407105 (VCV000407105.9), dbSNP rs774466512, ClinGen allele CA1562166.

ClinVar aggregate classification (germline): Conflicting classifications of pathogenicity. Review status: criteria provided, conflicting classifications (1 of 4 stars). 3 submissions from 3 submitters: Uncertain significance (2); Likely benign (1). Last evaluated 2025-09-09.

Conditions:
Primary ciliary dyskinesia. Also called: Ciliary dyskinesia. Identifiers: Orphanet 244, MedGen C0008780, MONDO:0016575, HP:0012265.
Inborn genetic diseases. Identifiers: MedGen C0950123, MeSH D030342.

Allele frequency attached by ClinVar (database versions not stated): gnomAD exomes 0.00001; ExAC 0.00002; gnomAD 0.00014 and 0.00016; TOPMed 0.00015.
gnomAD v4.1: 35 of 1,613,986 alleles (0.0022%); highest among the groups gnomAD compares: African/African-American, 0.045%; no homozygotes.

Submissions (3):

Ambry Genetics
Classification: Likely benign for Inborn genetic diseases. Last evaluated: 2025-09-09. Review status: criteria provided, single submitter. Criteria: Ambry Variant Classification Scheme 2023. Collection method: clinical testing. Allele origin: germline.

Labcorp Genetics (formerly Invitae), Labcorp
Classification: Uncertain significance for Primary ciliary dyskinesia. Last evaluated: 2021-08-30. Review status: criteria provided, single submitter. Criteria: Invitae Variant Classification Sherloc (09022015). Collection method: clinical testing. Allele origin: germline.
Comment: This sequence change replaces glutamic acid with lysine at codon 396 of the DRC1 protein (p.Glu396Lys). The glutamic acid residue is moderately conserved and there is a small physicochemical difference between glutamic acid and lysine. This variant is present in population databases (rs774466512, ExAC 0.02%). This variant has not been reported in the literature in individuals affected with DRC1-related conditions. Algorithms developed to predict the effect of missense changes on protein structure and function output the following: SIFT: "Tolerated"; PolyPhen-2: "Benign"; Align-GVGD: "Class C0". The lysine amino acid residue is found in multiple mammalian species, which suggests that this missense change does not adversely affect protein function. In summary, the available evidence is currently insufficient to determine the role of this variant in disease. Therefore, it has been classified as a Variant of Uncertain Significance.

Breakthrough Genomics
Classification: Uncertain significance. Review status: criteria provided, single submitter. Criteria: ACMG Guidelines, 2015. Collection method: not provided. Allele origin: germline. Inheritance: Autosomal recessive inheritance. Affected: yes.